The following is an entry in ClinVar:

ClinVar aggregate classification (germline): Likely pathogenic (1 of 4 stars; one submission).

Conditions:
Hyperlysinemia. Also called: Hyperlysinemias. Identifiers: Orphanet 2203, MedGen C0268553, MONDO:0009388, HP:0002161.

gnomAD v4.1: 1 of 1,612,098 alleles (0.000062%); highest among the groups gnomAD compares: Admixed American, 0.0017%; no homozygotes.

Submission:

Daryl Scott Lab, Baylor College of Medicine
Classification: Likely pathogenic for HYPERLYSINEMIA, TYPE I. Last evaluated: 2024-01-01. Review status: criteria provided, single submitter. Criteria: ACMG Guidelines, 2015. Collection method: clinical testing. Allele origin: paternal. Observed: 1 heterozygote.
Comment: PVS1, PM2

NM_005763.4(AASS):c.2280G>A (p.Trp760Ter)

Gene: AASS (aminoadipate-semialdehyde synthase; minus strand). Cytogenetic location: 7q31.32.
Variant type: single nucleotide variant.
Coding change: c.2280G>A on transcript NM_005763.4 (MANE Select); coding-DNA position 2280, G replaced by A.
Protein change: p.Trp760Ter; replaces tryptophan 760 with a stop codon.
Molecular consequence: nonsense.
Genome position (GRCh38, 1-based): chr7:122,081,500, C>T on the plus strand (G>A on the coding strand, the complement: AASS is on the minus strand). VCF-style: chr7-122081500-C-T. GRCh37 (hg19) VCF-style: chr7-121721554-C-T.
Other names: short protein forms W760*.
Identifiers: ClinVar variation 3764618 (VCV003764618.1).